The following is an entry in ClinVar:

ClinVar aggregate classification (germline): not provided (0 of 4 stars; one submission).

Allele frequency attached by ClinVar (database versions not stated): ExAC 0.00007; TOPMed 0.00007; gnomAD 0.00003; gnomAD exomes 0.00009.
gnomAD v4.1: 142 of 1,613,744 alleles (0.0088%); highest among the groups gnomAD compares: Middle Eastern, 0.049%; no homozygotes.

Submission:

Human Evolutionary Genetics, Institut Pasteur
No classification provided. Review status: no classification provided. Collection method: not provided. Allele origin: germline.
ClinVar note: Converted during submission from untested to not provided.

NM_001433705.1(NLRP5):c.1231C>T (p.Arg411Cys)

Genes: NLRP5 (NLR family pyrin domain containing 5; plus strand), LOC126862935 (BRD4-independent group 4 enhancer GRCh37_chr19:56537936-56539135; plus strand). Cytogenetic location: 19q13.43.
Variant type: single nucleotide variant.
Coding change: c.1231C>T on transcript NM_001433705.1 (MANE Select); coding-DNA position 1231, C replaced by T.
Protein change: p.Arg411Cys; replaces arginine 411 with cysteine.
Molecular consequence: missense variant.
Genome position (GRCh38, 1-based): chr19:56,027,617, C>T. VCF-style: chr19-56027617-C-T. GRCh37 (hg19) VCF-style: chr19-56538983-C-T.
Other names: NM_153447.4:c.1384C>T; short protein forms R411C.
Identifiers: ClinVar variation 103280 (VCV000103280.2), dbSNP rs199475775, ClinGen allele CA230360.